The following is an entry in ClinVar:

ClinVar aggregate classification (germline): Pathogenic (0 of 4 stars; one submission).

Conditions:
JAG1-related disorder. Also called: JAG1-related condition; JAG1-related disorders.

Submission:

PreventionGenetics, part of Exact Sciences
Classification: Pathogenic for JAG1-related condition. Last evaluated: 2024-02-02. Review status: no assertion criteria provided. Collection method: clinical testing. Allele origin: germline.
Comment: The JAG1 c.2583dupA variant is predicted to result in a frameshift and premature protein termination (p.Pro862Thrfs*17). To our knowledge, this variant has not been reported in the literature or in a large population database, indicating this variant is rare. Frameshift variants in JAG1 are expected to be pathogenic. This variant is interpreted as pathogenic.

NM_000214.3(JAG1):c.2583dup (p.Pro862fs)

Gene: JAG1 (jagged canonical Notch ligand 1; minus strand). Cytogenetic location: 20p12.2.
Variant type: Duplication.
Coding change: c.2583dup on transcript NM_000214.3 (MANE Select); coding-DNA position 2583, one base duplicated (A; older notation c.2583dupA).
Protein change: p.Pro862fs; shifts the reading frame from proline 862.
Molecular consequence: frameshift variant.
Genome position (GRCh38, 1-based): chr20:10,641,882, T duplicated on the plus strand (A on the coding strand, the reverse complement: JAG1 is on the minus strand). VCF-style (leftmost placement, unchanged base first): chr20-10641881-G-GT. GRCh37 (hg19) VCF-style: chr20-10622529-G-GT.
Other names: short protein forms P862fs.
Identifiers: ClinVar variation 3061088 (VCV003061088.2), dbSNP rs2514509650, ClinGen allele CA2740097008.